The following is an entry in ClinVar:

NM_000287.4(PEX6):c.1138G>T (p.Glu380Ter)

Gene: PEX6 (peroxisomal biogenesis factor 6; minus strand). Cytogenetic location: 6p21.1.
Variant type: single nucleotide variant.
Coding change: c.1138G>T on transcript NM_000287.4 (MANE Select); coding-DNA position 1138, G replaced by T.
Protein change: p.Glu380Ter; replaces glutamic acid 380 with a stop codon.
Molecular consequence: nonsense. On other transcripts: non-coding transcript variant (1).
Genome position (GRCh38, 1-based): chr6:42,969,980, C>A on the plus strand (G>T on the coding strand, the complement: PEX6 is on the minus strand). VCF-style: chr6-42969980-C-A. GRCh37 (hg19) VCF-style: chr6-42937718-C-A.
Other names: c.874G>T, p.Glu292Ter (NM_001316313.2); short protein forms E292*, E380*.
Identifiers: ClinVar variation 4712115 (VCV004712115.1).
Genomic context (GRCh38, chr6:42,969,980, plus strand): 5'-AGGCACTGGCTGGTCCATCTGGAGCTTCCCCAACTGTTTTCTTCACTTTAAAAAACATTT[C>A]CCGCCACCTGCAGGAAAAAGGCCCAATGAACCCCAGATCCAGAGTCCAAAAACCCCCCTC-3'

ClinVar aggregate classification (germline): Pathogenic (1 of 4 stars; one submission).

Conditions:
Peroxisome biogenesis disorder. Identifiers: Orphanet 79189, MedGen C1832200, MONDO:0019234. Disease mechanism: loss of function.

Submission:

Labcorp Genetics (formerly Invitae), Labcorp
Classification: Pathogenic for Peroxisome biogenesis disorder. Last evaluated: 2025-07-30. Review status: criteria provided, single submitter. Criteria: Invitae Variant Classification Sherloc (09022015). Collection method: clinical testing. Allele origin: germline.
Comment: This sequence change creates a premature translational stop signal (p.Glu380*) in the PEX6 gene. It is expected to result in an absent or disrupted protein product. Loss-of-function variants in PEX6 are known to be pathogenic (PMID: 10408779, 21031596, 31831025). This variant is not present in population databases (gnomAD no frequency). This variant has not been reported in the literature in individuals affected with PEX6-related conditions. For these reasons, this variant has been classified as Pathogenic.

Literature cited by the submitters: PubMed 10408779; PubMed 21031596; PubMed 31831025.